The following is an entry in ClinVar:

ClinVar aggregate classification (germline): Uncertain significance. Review status: criteria provided, multiple submitters, no conflicts (2 of 4 stars). 3 submissions from 3 submitters: Uncertain significance (3). Last evaluated 2026-02-05.

Conditions:
Hepatic methionine adenosyltransferase deficiency. Also called: Isolated Persistent Hypermethioninemia; Deficiency of methionine adenosyltransferase; Methionine adenosyltransferase deficiency; MAT I/III DEFICIENCY. Identifiers: Orphanet 168598, MedGen C0268621, MeSH C564683, MONDO:0009607, OMIM 250850.
Inborn genetic diseases. Identifiers: MedGen C0950123, MeSH D030342.

Allele frequency attached by ClinVar (database versions not stated): TOPMed below 0.00001.

Submissions (3):

GeneDx
Classification: Uncertain significance. Last evaluated: 2026-02-05. Review status: criteria provided, single submitter. Criteria: GeneDx Variant Classification Process June 2021. Collection method: clinical testing. Allele origin: germline.
Comment: Not observed at significant frequency in large population cohorts (gnomAD); In silico analysis supports that this missense variant has a deleterious effect on protein structure/function; Has not been previously published as pathogenic or benign to our knowledge

Labcorp Genetics (formerly Invitae), Labcorp
Classification: Uncertain significance for Hepatic methionine adenosyltransferase deficiency. Last evaluated: 2025-11-05. Review status: criteria provided, single submitter. Criteria: Invitae Variant Classification Sherloc (09022015). Collection method: clinical testing. Allele origin: germline.
Comment: This sequence change replaces leucine, which is neutral and non-polar, with proline, which is neutral and non-polar, at codon 328 of the MAT1A protein (p.Leu328Pro). This variant is not present in population databases (gnomAD no frequency). This variant has not been reported in the literature in individuals affected with MAT1A-related conditions. ClinVar contains an entry for this variant (Variation ID: 572062). Invitae Evidence Modeling of protein sequence and biophysical properties (such as structural, functional, and spatial information, amino acid conservation, physicochemical variation, residue mobility, and thermodynamic stability) indicates that this missense variant is expected to disrupt MAT1A protein function with a positive predictive value of 80%. In summary, the available evidence is currently insufficient to determine the role of this variant in disease. Therefore, it has been classified as a Variant of Uncertain Significance.

Ambry Genetics
Classification: Uncertain significance for Inborn genetic diseases. Last evaluated: 2024-04-12. Review status: criteria provided, single submitter. Criteria: Ambry Variant Classification Scheme 2023. Collection method: clinical testing. Allele origin: germline.

NM_000429.3(MAT1A):c.983T>C (p.Leu328Pro)

Gene: MAT1A (methionine adenosyltransferase 1A; minus strand). Cytogenetic location: 10q22.3.
Variant type: single nucleotide variant.
Coding change: c.983T>C on transcript NM_000429.3 (MANE Select); coding-DNA position 983, T replaced by C.
Protein change: p.Leu328Pro; replaces leucine 328 with proline.
Molecular consequence: missense variant.
Genome position (GRCh38, 1-based): chr10:80,274,622, A>G on the plus strand (T>C on the coding strand, the complement: MAT1A is on the minus strand). VCF-style: chr10-80274622-A-G. GRCh37 (hg19) VCF-style: chr10-82034378-A-G.
Other names: short protein forms L328P.
Identifiers: ClinVar variation 572062 (VCV000572062.11), dbSNP rs1444823004, ClinGen allele CA377360465.
Genomic context (GRCh38, chr10:80,274,622, plus strand): 5'-ACATCCAGCAGCTCTCGCTCTGTCTTCTGAGAGGTTCCGTAGGTGAAGATGGAAATGGAC[A>G]GCGGCTCGGCCACACCAATGGCATAGGAAACCTTCCAGCAAGGTGCAGCGTCAGGGATTG-3'
Protein context (NP_000420.1, residues 318-338): VSYAIGVAEP[Leu328Pro]SISIFTYGTS